The following is an entry in ClinVar:

ClinVar aggregate classification (germline): Uncertain significance (1 of 4 stars; one submission).

Allele frequency attached by ClinVar (database versions not stated): gnomAD exomes below 0.00001; gnomAD 0.00001; TOPMed 0.00002.
gnomAD v4.1: 4 of 1,613,514 alleles (0.00025%); highest among the groups gnomAD compares: African/African-American, 0.004%; no homozygotes.

Submission:

Laboratory for Molecular Medicine, Mass General Brigham Personalized Medicine
Classification: Uncertain significance. Last evaluated: 2013-08-22. Review status: criteria provided, single submitter. Criteria: LMM Criteria. Collection method: clinical testing. Allele origin: germline. Observed: 1 variant allele.
Comment: Variant classified as Uncertain Significance - Favor Benign. The Tyr2282His vari ant in TTN has not been reported in individuals with cardiomyopathy or in large population studies. Tyrosine (Tyr) at position 2282 is not conserved among mamma ls or evolutionarily distant species, which suggests that a change at this posit ion may be tolerated. Additional computational analyses (biochemical amino acid properties, AlignGVGD, PolyPhen2, and SIFT) do not provide strong support for or against an impact to the protein. While the lack of conservation across many sp ecies suggests that this variant is more likely benign, additional information i s needed to fully assess its clinical significance.

NM_001267550.2(TTN):c.6844T>C (p.Tyr2282His)

Genes: TTN (titin; minus strand), LOC126806433 (BRD4-independent group 4 enhancer GRCh37_chr2:179638309-179639508; plus strand). Cytogenetic location: 2q31.2.
Variant type: single nucleotide variant.
Coding change: c.6844T>C on transcript NM_001267550.2 (MANE Select); coding-DNA position 6844, T replaced by C.
Protein change: p.Tyr2282His; replaces tyrosine 2282 with histidine.
Molecular consequence: missense variant.
Genome position (GRCh38, 1-based): chr2:178,774,420, A>G on the plus strand (T>C on the coding strand, the complement: TTN is on the minus strand). VCF-style: chr2-178774420-A-G. GRCh37 (hg19) VCF-style: chr2-179639147-A-G.
Other names: c.6844T>C, p.Tyr2282His (NM_133378.4, NM_001256850.1, NM_133379.5); c.6706T>C, p.Tyr2236His (NM_003319.4, NM_133432.3, NM_133437.4); short protein forms Y2282H, Y2236H.
Identifiers: ClinVar variation 166312 (VCV000166312.5), dbSNP rs727503691, ClinGen allele CA179287.